The following is an entry in ClinVar:

ClinVar aggregate classification (germline): Likely benign. Review status: criteria provided, multiple submitters, no conflicts (2 of 4 stars). 2 submissions from 2 submitters: Likely benign (2). Last evaluated 2025-04-02.

Conditions:
Congenital myasthenic syndrome 4A. Also called: Myasthenic syndrome, congenital, 4a, slow-channel; CONGENITAL MYASTHENIC SYNDROME TYPE Ia1; MYASTHENIC SYNDROME, CONGENITAL, 4A, SLOW-CHANNEL, AUTOSOMAL RECESSIVE. Identifiers: Orphanet 590, MedGen C4225413, MONDO:0011600, OMIM 605809.

Allele frequency attached by ClinVar (database versions not stated): gnomAD 0.00001; TOPMed 0.00001.
gnomAD v4.1: 3 of 1,614,002 alleles (0.00019%); highest among the groups gnomAD compares: African/African-American, 0.0027%; no homozygotes.

Submissions (2):

Mayo Clinic Laboratories, Mayo Clinic
Classification: Likely benign. Last evaluated: 2025-04-02. Review status: criteria provided, single submitter. Criteria: ACMG Guidelines, 2015. Collection method: clinical testing. Allele origin: germline. Observed: 1 variant allele.
Comment: BP4, BP7

Labcorp Genetics (formerly Invitae), Labcorp
Classification: Likely benign for Congenital myasthenic syndrome 4A. Last evaluated: 2023-02-18. Review status: criteria provided, single submitter. Criteria: Invitae Variant Classification Sherloc (09022015). Collection method: clinical testing. Allele origin: germline.

NM_000080.4(CHRNE):c.441C>A (p.Val147=)

Genes: C17orf107 (chromosome 17 open reading frame 107; plus strand), CHRNE (cholinergic receptor nicotinic epsilon subunit; minus strand). Cytogenetic location: 17p13.2.
Variant type: single nucleotide variant.
Coding change: c.441C>A on transcript NM_000080.4 (MANE Select); coding-DNA position 441, C replaced by A.
Protein change: p.Val147=; no amino-acid change (valine 147 retained).
Molecular consequence: synonymous variant. On other transcripts: 3 prime UTR variant (1).
Genome position (GRCh38, 1-based): chr17:4,901,991, G>T on the plus strand (C>A on the coding strand, the complement: CHRNE is on the minus strand). VCF-style: chr17-4901991-G-T. GRCh37 (hg19) VCF-style: chr17-4805286-G-T.
Other names: p.Val147=; c.*1458G>T (NM_001145536.2).
Identifiers: ClinVar variation 701965 (VCV000701965.11), dbSNP rs779058823, ClinGen allele CA8314456.
Genomic context (GRCh38, chr17:4,901,991, plus strand): 5'-CCGGAAAATAAGCGAACAGTTCTGCCAATCGAAGGGGAAGTAGGTGACCTCCACTGCGCA[G>T]ACGCTGCGGTAGATGGCCGGAGGCAGCCACGTCACGGAGCCGCCCTCGTAGACGAGCACG-3'
Protein context (NP_000071.1, residues 137-157): TWLPPAIYRS[Val147=]CAVEVTYFPF